The following is an entry in ClinVar:

ClinVar aggregate classification (germline): Uncertain significance. Review status: criteria provided, multiple submitters, no conflicts (2 of 4 stars). 2 submissions from 2 submitters: Uncertain significance (2). Last evaluated 2022-11-08.

gnomAD v4.1: 1 of 1,613,922 alleles (0.000062%); highest among the groups gnomAD compares: Non-Finnish European, 0.000085%; no homozygotes.

Submissions (2):

Ambry Genetics
Classification: Uncertain significance. Last evaluated: 2022-11-08. Review status: criteria provided, single submitter. Criteria: Ambry Variant Classification Scheme 2023. Collection method: clinical testing. Allele origin: germline.

GeneDx
Classification: Uncertain significance. Last evaluated: 2019-07-22. Review status: criteria provided, single submitter. Criteria: GeneDx Variant Classification Process June 2021. Collection method: clinical testing. Allele origin: germline. Affected: yes.
Comment: Not observed in large population cohorts (Lek et al., 2016); In silico analysis, which includes protein predictors and evolutionary conservation, supports that this variant does not alter protein structure/function; Has not been previously published as pathogenic or benign to our knowledge; Variants in candidate genes are classified as variants of uncertain significance in accordance with ACMG guidelines (Richards et al., 2015)

NM_014339.7(IL17RA):c.481G>C (p.Val161Leu)

Gene: IL17RA (interleukin 17 receptor A; plus strand). Cytogenetic location: 22q11.1.
Variant type: single nucleotide variant.
Coding change: c.481G>C on transcript NM_014339.7 (MANE Select); coding-DNA position 481, G replaced by C.
Protein change: p.Val161Leu; replaces valine 161 with leucine.
Molecular consequence: missense variant.
Genome position (GRCh38, 1-based): chr22:17,100,412, G>C. VCF-style: chr22-17100412-G-C. GRCh37 (hg19) VCF-style: chr22-17581302-G-C.
Other names: c.481G>C, p.Val161Leu (NM_001289905.2); short protein forms V161L.
Identifiers: ClinVar variation 1306791 (VCV001306791.4), dbSNP rs552176381, ClinGen allele CA410212142.